The following is an entry in ClinVar:

NM_000428.3(LTBP2):c.2369-2A>G

Gene: LTBP2 (latent transforming growth factor beta binding protein 2; minus strand). Cytogenetic location: 14q24.3.
Variant type: single nucleotide variant.
Coding change: c.2369-2A>G on transcript NM_000428.3 (MANE Select); the canonical splice acceptor site of the intron before coding-DNA position 2369, A replaced by G.
Molecular consequence: splice acceptor variant.
Genome position (GRCh38, 1-based): chr14:74,527,368, T>C on the plus strand (A>G on the coding strand, the complement: LTBP2 is on the minus strand). VCF-style: chr14-74527368-T-C. GRCh37 (hg19) VCF-style: chr14-74994071-T-C.
Identifiers: ClinVar variation 2119869 (VCV002119869.4), dbSNP rs2506152687, ClinGen allele CA390393348.

ClinVar aggregate classification (germline): Likely pathogenic (1 of 4 stars; one submission).

Submission:

Labcorp Genetics (formerly Invitae), Labcorp
Classification: Likely pathogenic. Last evaluated: 2022-07-30. Review status: criteria provided, single submitter. Criteria: Invitae Variant Classification Sherloc (09022015). Collection method: clinical testing. Allele origin: germline.
Comment: This variant is not present in population databases (gnomAD no frequency). This sequence change affects an acceptor splice site in intron 12 of the LTBP2 gene. It is expected to disrupt RNA splicing. Variants that disrupt the donor or acceptor splice site typically lead to a loss of protein function (PMID: 16199547), and loss-of-function variants in LTBP2 are known to be pathogenic (PMID: 19361779, 22025892). This variant has not been reported in the literature in individuals affected with LTBP2-related conditions. Algorithms developed to predict the effect of sequence changes on RNA splicing suggest that this variant may disrupt the consensus splice site. In summary, the currently available evidence indicates that the variant is pathogenic, but additional data are needed to prove that conclusively. Therefore, this variant has been classified as Likely Pathogenic.

Literature cited by the submitters: PubMed 16199547; PubMed 19361779; PubMed 22025892.